The following is an entry in ClinVar:

ClinVar aggregate classification (germline): Uncertain significance (1 of 4 stars; one submission).

gnomAD v4.1: 40 of 1,565,456 alleles (0.0026%); highest among the groups gnomAD compares: South Asian, 0.045%; no homozygotes.

Submission:

Labcorp Genetics (formerly Invitae), Labcorp
Classification: Uncertain significance. Last evaluated: 2025-07-07. Review status: criteria provided, single submitter. Criteria: Invitae Variant Classification Sherloc (09022015). Collection method: clinical testing. Allele origin: germline.
Comment: This sequence change falls in intron 12 of the IL17RD gene. It does not directly change the encoded amino acid sequence of the IL17RD protein. It affects a nucleotide within the consensus splice site. This variant is present in population databases (rs766714500, gnomAD 0.03%). This variant has not been reported in the literature in individuals affected with IL17RD-related conditions. ClinVar contains an entry for this variant (Variation ID: 3611586). Variants that disrupt the consensus splice site are a relatively common cause of aberrant splicing (PMID: 17576681, 9536098). Algorithms developed to predict the effect of sequence changes on RNA splicing suggest that this variant is not likely to affect RNA splicing. In summary, the available evidence is currently insufficient to determine the role of this variant in disease. Therefore, it has been classified as a Variant of Uncertain Significance.

Literature cited by the submitters: PubMed 17576681; PubMed 9536098.

NM_017563.5(IL17RD):c.2107+6G>A

Genes: IL17RD (interleukin 17 receptor D; minus strand), LOC126806689 (BRD4-independent group 4 enhancer GRCh37_chr3:57131244-57132443; plus strand). Cytogenetic location: 3p14.3.
Variant type: single nucleotide variant.
Coding change: c.2107+6G>A on transcript NM_017563.5 (MANE Select); 6 bases into the intron after coding-DNA position 2107, G replaced by A.
Molecular consequence: intron variant.
Genome position (GRCh38, 1-based): chr3:57,097,590, C>T on the plus strand (G>A on the coding strand, the complement: IL17RD is on the minus strand). VCF-style: chr3-57097590-C-T. GRCh37 (hg19) VCF-style: chr3-57131618-C-T.
Other names: c.1675+6G>A (NM_001318864.2).
Identifiers: ClinVar variation 3611586 (VCV003611586.2).